The following is an entry in ClinVar:

ClinVar aggregate classification (germline): Uncertain significance (1 of 4 stars; one submission).

Submission:

Ambry Genetics
Classification: Uncertain significance. Last evaluated: 2024-10-01. Review status: criteria provided, single submitter. Criteria: Ambry Variant Classification Scheme 2023. Collection method: clinical testing. Allele origin: germline.
Comment: The c.52A>C (p.T18P) alteration is located in exon (coding exon ) of the SAMD1 gene. This alteration results from a A to C substitution at nucleotide position 52, causing the threonine (T) at amino acid position 18 to be replaced by a proline (P). Based on insufficient or conflicting evidence, the clinical significance of this alteration remains unclear.

NM_138352.3(SAMD1):c.52A>C (p.Thr18Pro)

Gene: SAMD1 (sterile alpha motif domain containing 1; minus strand). Cytogenetic location: 19p13.12.
Variant type: single nucleotide variant.
Coding change: c.52A>C on transcript NM_138352.3 (MANE Select); coding-DNA position 52, A replaced by C.
Protein change: p.Thr18Pro; replaces threonine 18 with proline.
Molecular consequence: missense variant.
Genome position (GRCh38, 1-based): chr19:14,090,369, T>G on the plus strand (A>C on the coding strand, the complement: SAMD1 is on the minus strand). VCF-style: chr19-14090369-T-G. GRCh37 (hg19) VCF-style: chr19-14201181-T-G.
Other names: short protein forms T18P.
Identifiers: ClinVar variation 2386454 (VCV002386454.3), dbSNP rs1976992123, ClinGen allele CA404371481.